The following is an entry in ClinVar:

ClinVar aggregate classification (germline): Uncertain significance (1 of 4 stars; one submission).

Conditions:
Cardiovascular phenotype. Identifiers: MedGen CN230736.

gnomAD v4.1: 2 of 1,614,108 alleles (0.00012%); highest among the groups gnomAD compares: Non-Finnish European, 0.00017%; no homozygotes.

Submission:

Ambry Genetics
Classification: Uncertain significance for Cardiovascular phenotype. Last evaluated: 2025-06-07. Review status: criteria provided, single submitter. Criteria: Ambry Variant Classification Scheme 2023. Collection method: clinical testing. Allele origin: germline.
Comment: The p.H1612R variant (also known as c.4835A>G), located in coding exon 18 of the AKAP9 gene, results from an A to G substitution at nucleotide position 4835. The histidine at codon 1612 is replaced by arginine, an amino acid with highly similar properties. This amino acid position is conserved. In addition, this alteration is predicted to be tolerated by in silico analysis. Based on the available evidence, the clinical significance of this variant remains unclear.

NM_005751.5(AKAP9):c.4835A>G (p.His1612Arg)

Gene: AKAP9 (A-kinase anchoring protein 9; plus strand). Cytogenetic location: 7q21.2.
Variant type: single nucleotide variant.
Coding change: c.4835A>G on transcript NM_005751.5 (MANE Select); coding-DNA position 4835, A replaced by G.
Protein change: p.His1612Arg; replaces histidine 1612 with arginine.
Molecular consequence: missense variant.
Genome position (GRCh38, 1-based): chr7:92,040,816, A>G. VCF-style: chr7-92040816-A-G. GRCh37 (hg19) VCF-style: chr7-91670130-A-G.
Other names: c.4835A>G, p.His1612Arg (NM_147185.3); short protein forms H1612R.
Identifiers: ClinVar variation 4034266 (VCV004034266.1).